The following is an entry in ClinVar:

NM_000051.4(ATM):c.7365G>A (p.Leu2455=)

Genes: ATM (ATM serine/threonine kinase; plus strand), C11orf65 (chromosome 11 open reading frame 65; minus strand). Cytogenetic location: 11q22.3.
Variant type: single nucleotide variant.
Coding change: c.7365G>A on transcript NM_000051.4 (MANE Select); coding-DNA position 7365, G replaced by A.
Protein change: p.Leu2455=; no amino-acid change (leucine 2455 retained).
Molecular consequence: synonymous variant. On other transcripts: intron variant (2).
Genome position (GRCh38, 1-based): chr11:108,330,271, G>A. VCF-style: chr11-108330271-G-A. GRCh37 (hg19) VCF-style: chr11-108200998-G-A.
Other names: c.641-21200C>T (NM_001330368.2); c.*38+4949C>T (NM_001351110.2); c.7365G>A, p.Leu2455= (NM_001351834.2).
Identifiers: ClinVar variation 795643 (VCV000795643.17), dbSNP rs756506590, ClinGen allele CA476676868.
Genomic context (GRCh38, chr11:108,330,271, plus strand): 5'-AAGATACACAGTAAAGGTTCAGCGAGAGCTGGAGTTGGATGAATTAGCCCTGCGTGCACT[G>A]AAAGAGGATCGTAAACGCTTCTTATGTAAAGCAGTTGAAAATTATATCAACTGCTTATTA-3'
Protein context (NP_000042.3, residues 2445-2465): LELDELALRA[Leu2455=]KEDRKRFLCK

ClinVar aggregate classification (germline): Conflicting classifications of pathogenicity. Review status: criteria provided, conflicting classifications (1 of 4 stars). 4 submissions from 4 submitters: Uncertain significance (1); Benign (1); Likely benign (2). Last evaluated 2024-06-27.

Conditions:
Hereditary cancer-predisposing syndrome. Also called: Tumor predisposition; Neoplastic Syndromes, Hereditary; Hereditary Cancer Syndrome; Hereditary neoplastic syndrome. Identifiers: Orphanet 140162, MedGen C0027672, MeSH D009386, MONDO:0015356.
Ataxia-telangiectasia syndrome (AT). Also called: ATAXIA-TELANGIECTASIA, COMPLEMENTATION GROUP A; ATAXIA-TELANGIECTASIA, FRESNO VARIANT; Ataxia-telangiectasia; Ataxia-telangiectasia, complementation group D; AT, COMPLEMENTATION GROUP C; Ataxia-telangiectasia, complementation group E. Identifiers: Orphanet 100, MedGen C0004135, MONDO:0008840, OMIM 208900.
Familial cancer of breast. Also called: Hereditary breast cancer; BREAST CANCER, FAMILIAL; hereditary breast carcinoma. Identifiers: Orphanet 227535, MedGen C0346153, MONDO:0016419, OMIM 114480. Disease mechanism: loss of function.

Submissions (4):

Quest Diagnostics Nichols Institute San Juan Capistrano
Classification: Uncertain significance. Last evaluated: 2024-06-27. Review status: criteria provided, single submitter. Criteria: Quest Diagnostics criteria. Collection method: clinical testing. Allele origin: unknown.

Myriad Genetics, Inc.
Classification: Benign for Familial cancer of breast. Last evaluated: 2024-06-13. Review status: criteria provided, single submitter. Criteria: Myriad Autosomal Dominant, Autosomal Recessive and X-Linked Classification Criteria (2023). Collection method: clinical testing. Allele origin: unknown.
Comment: This variant is considered benign. This variant is a silent/synonymous amino acid change and it is not expected to impact splicing.

Labcorp Genetics (formerly Invitae), Labcorp
Classification: Likely benign for Ataxia-telangiectasia syndrome. Last evaluated: 2019-09-29. Review status: criteria provided, single submitter. Criteria: Invitae Variant Classification Sherloc (09022015). Collection method: clinical testing. Allele origin: germline.

Ambry Genetics
Classification: Likely benign for Hereditary cancer-predisposing syndrome. Last evaluated: 2018-06-06. Review status: criteria provided, single submitter. Criteria: Ambry Variant Classification Scheme 2023. Collection method: clinical testing. Allele origin: germline.

Literature cited by the submitters: PubMed 25249249 (cited by Quest Diagnostics Nichols Institute San Juan Capistrano); PubMed 31854063 (cited by Quest Diagnostics Nichols Institute San Juan Capistrano); PubMed 30082870 (cited by Quest Diagnostics Nichols Institute San Juan Capistrano).